The following is an entry in ClinVar:

NM_001277062.2(MFF):c.644A>C (p.His215Pro)

Gene: MFF (mitochondrial fission factor; plus strand). Cytogenetic location: 2q36.3.
Variant type: single nucleotide variant.
Coding change: c.644A>C on transcript NM_001277062.2 (MANE Select); coding-DNA position 644, A replaced by C.
Protein change: p.His215Pro; replaces histidine 215 with proline.
Molecular consequence: missense variant. On other transcripts: intron variant (4).
Genome position (GRCh38, 1-based): chr2:227,352,558, A>C. VCF-style: chr2-227352558-A-C. GRCh37 (hg19) VCF-style: chr2-228217274-A-C.
Other names: c.797A>C (NM_020194.4); c.797A>C, p.His266Pro (NM_001277061.2, NM_020194.5); c.485A>C, p.His162Pro (NM_001277064.2); c.527A>C, p.His176Pro (NM_001277068.1); c.516-3119A>C (NM_001277063.2); c.441-3119A>C (NM_001277065.2, NM_001277066.2); c.450-3119A>C (NM_001277067.1); short protein forms H266P, H176P, H162P, H215P.
Identifiers: ClinVar variation 1930964 (VCV001930964.6), dbSNP rs751237924, ClinGen allele CA2148022.
Genomic context (GRCh38, chr2:227,352,558, plus strand): 5'-CAAAAACCTGCCTTAGACCTGTGTTGCGTGGTGGGTCTGCTGCCGCCACTTCTAATCCTC[A>C]TCATGACAACGTCAGGTAAATTTTGAGACTTCGTAATTACCAGGGTAAATGCTTGGCGGA-3'
Protein context (NP_001263991.1, residues 205-225): GGSAAATSNP[His215Pro]HDNVRYGISN

ClinVar aggregate classification (germline): Uncertain significance. Review status: criteria provided, multiple submitters, no conflicts (2 of 4 stars). 2 submissions from 2 submitters: Uncertain significance (2). Last evaluated 2024-10-08.

Conditions:
Inborn genetic diseases. Identifiers: MedGen C0950123, MeSH D030342.

Allele frequency attached by ClinVar (database versions not stated): ExAC 0.00001; gnomAD exomes 0.00001; TOPMed 0.00002.
gnomAD v4.1: 9 of 1,613,714 alleles (0.00056%); highest among the groups gnomAD compares: Non-Finnish European, 0.00068%; no homozygotes.

Submissions (2):

Ambry Genetics
Classification: Uncertain significance for Inborn genetic diseases. Last evaluated: 2024-10-08. Review status: criteria provided, single submitter. Criteria: Ambry Variant Classification Scheme 2023. Collection method: clinical testing. Allele origin: germline.

Labcorp Genetics (formerly Invitae), Labcorp
Classification: Uncertain significance. Last evaluated: 2022-07-07. Review status: criteria provided, single submitter. Criteria: Invitae Variant Classification Sherloc (09022015). Collection method: clinical testing. Allele origin: germline.
Comment: This variant has not been reported in the literature in individuals affected with MFF-related conditions. This sequence change replaces histidine, which is basic and polar, with proline, which is neutral and non-polar, at codon 266 of the MFF protein (p.His266Pro). This variant is present in population databases (rs751237924, gnomAD 0.0009%). Algorithms developed to predict the effect of missense changes on protein structure and function are either unavailable or do not agree on the potential impact of this missense change (SIFT: "Deleterious"; PolyPhen-2: "Possibly Damaging"; Align-GVGD: "Class C0"). In summary, the available evidence is currently insufficient to determine the role of this variant in disease. Therefore, it has been classified as a Variant of Uncertain Significance.